The following is an entry in ClinVar:

ClinVar aggregate classification (germline): Pathogenic (0 of 4 stars; one submission).

Conditions:
Carcinoma of colon (CRC). Also called: Colon carcinoma; Colonic carcinoma. Identifiers: MedGen C0699790, MONDO:0002032.

Submission:

Department of Pathology and Laboratory Medicine, Sinai Health System
Classification: Pathogenic for Carcinoma of colon. Review status: no assertion criteria provided. Collection method: clinical testing. Allele origin: unknown. Affected: yes. Observed: 1 variant allele. Study: The Canadian Open Genetics Repository (COGR).
Comment: The APC p.Ser1652HisfsX7 variant was not identified in the literature nor was it identified in dbSNP, HGMD, UMD, COSMIC, MutDB, â€šÃ„ÃºInSiGHT Colon Cancer Databaseâ€šÃ„Ã¹, â€šÃ„ÃºZhejiang Colon Cancer Databaseâ€šÃ„Ã¹, or the ClinVar database. The p.Ser1652HisfsX7 deletion variant is predicted to cause a frameshift, which alters the protein's amino acid sequence beginning at codon 1652 and leads to a premature stop codon 7 codons downstream. This alteration is then predicted to result in a truncated or absent protein and loss of function. Loss of function variants of the APC gene are an established mechanism of disease in familial adenomatous polyposis and is the type of variant expected to cause the disorder. Notably, this variant occurs in the last exon of the gene and stop codon or nonsense mutations in this region may not be subjected to nonsense mediated RNA decay, although further study would be required to validate this hypothesis and it is currently not possible to determine whether or not this might influence the severity of the disorder. In summary, based on the above information, this variant meets our laboratoryâ€šÃ„Ã´s criteria to be classified as pathogenic.

NM_000038.6(APC):c.4953_4954del (p.Ser1652fs)

Gene: APC (APC regulator of Wnt signaling pathway; plus strand). Cytogenetic location: 5q22.2.
Variant type: Deletion.
Coding change: c.4953_4954del on transcript NM_000038.6 (MANE Select); coding-DNA positions 4953 to 4954, 2 bases deleted (TT; older notation c.4953_4954delTT).
Protein change: p.Ser1652fs; shifts the reading frame from serine 1652.
Molecular consequence: frameshift variant.
Genome position (GRCh38, 1-based): chr5:112,840,547-112,840,548, TT deleted; deleting any 2 consecutive bases within chr5:112,840,545-112,840,548 gives the same sequence; the c. name uses the placement nearest the transcript's 3' end. VCF-style (leftmost placement, unchanged base first): chr5-112840544-CTT-C. GRCh37 (hg19) VCF-style: chr5-112176241-CTT-C.
Other names: c.4953_4954del, p.Ser1652fs (NM_001127510.3, NM_001354895.2); c.4899_4900del, p.Ser1634fs (NM_001127511.3); c.5007_5008del, p.Ser1670fs (NM_001354896.2); c.4983_4984del, p.Ser1662fs (NM_001354897.2); c.4878_4879del, p.Ser1627fs (NM_001354898.2); c.4869_4870del, p.Ser1624fs (NM_001354899.2); c.4830_4831del, p.Ser1611fs (NM_001354900.2); c.4776_4777del, p.Ser1593fs (NM_001354901.2); and 5 more; short protein forms S1551fs, S1561fs, S1611fs, S1624fs, S1652fs, S1670fs, S1492fs, S1627fs.
Identifiers: ClinVar variation 433669 (VCV000433669.2), dbSNP rs1554086327, ClinGen allele CA645372800.